The following is an entry in ClinVar:

ClinVar aggregate classification (germline): Likely benign (1 of 4 stars; one submission).

Allele frequency attached by ClinVar (database versions not stated): 1000 Genomes Project 0.00080; gnomAD 0.00082; TOPMed 0.00108; 1000 Genomes Project 30x 0.00125.
gnomAD v4.1: 123 of 152,338 alleles (0.081%); highest among the groups gnomAD compares: African/African-American, 0.26%; no homozygotes.

Submission:

CeGaT Center for Human Genetics Tuebingen
Classification: Likely benign. Last evaluated: 2022-09-01. Review status: criteria provided, single submitter. Criteria: CeGaT Center For Human Genetics Tuebingen Variant Classification Criteria Version 2. Collection method: clinical testing. Allele origin: germline. Affected: yes. Observed: 1 variant allele.
Comment: ENSG00000269825: BP4, BP7

NM_001396016.1(LOC122539214):c.705G>A (p.Glu235=)

Genes: ZNF83 (zinc finger protein 83; minus strand), LOC122539214 (Zinc finger protein LOC122539214; minus strand). Cytogenetic location: 19q13.41.
Variant type: single nucleotide variant.
Coding change: c.705G>A on transcript NM_001396016.1 (MANE Select); coding-DNA position 705, G replaced by A.
Protein change: p.Glu235=; no amino-acid change (glutamic acid 235 retained).
Molecular consequence: synonymous variant. On other transcripts: intron variant (9).
Genome position (GRCh38, 1-based): chr19:52,653,889, C>T on the plus strand (G>A on the coding strand, the complement: LOC122539214 is on the minus strand). VCF-style: chr19-52653889-C-T. GRCh37 (hg19) VCF-style: chr19-53157142-C-T.
Other names: c.-449+6873G>A (NM_001277948.2); c.-234+1672G>A (NM_001277946.2); c.-361+1672G>A (NM_001277949.2); c.-449+1672G>A (NM_001277945.2, NM_001348019.2); c.-573+1672G>A (NM_001348015.2); c.-465+1672G>A (NM_001348018.2); c.-592+1672G>A (NM_001348017.2); c.-322+1672G>A (NM_001277947.2).
Identifiers: ClinVar variation 2650395 (VCV002650395.21), dbSNP rs191771191, ClinGen allele CA309911158.